The following is an entry in ClinVar:

ClinVar aggregate classification (germline): Uncertain significance (1 of 4 stars; one submission).

Conditions:
Hereditary cancer-predisposing syndrome. Also called: Neoplastic Syndromes, Hereditary; Tumor predisposition; Hereditary neoplastic syndrome; Hereditary Cancer Syndrome. Identifiers: Orphanet 140162, MedGen C0027672, MeSH D009386, MONDO:0015356.

Submission:

Ambry Genetics
Classification: Uncertain significance for Hereditary cancer-predisposing syndrome. Last evaluated: 2023-12-04. Review status: criteria provided, single submitter. Criteria: Ambry Variant Classification Scheme 2023. Collection method: clinical testing. Allele origin: germline.
Comment: The c.6043_6057del15 variant (also known as p.E2015_V2019del) is located in coding exon 15 of the APC gene. This variant results from an in-frame GAAGATACCCCAGTT deletion at nucleotide positions 6043 to 6057. This results in the in-frame deletion of 5 residues (EDTPV) between codons 2015 to 2019. This amino acid region is highly conserved in available vertebrate species. In addition, this alteration is predicted to be deleterious by in silico analysis (Choi Y et al. PLoS ONE. 2012; 7(10):e46688). Since supporting evidence is limited at this time, the clinical significance of this alteration remains unclear.

NM_000038.6(APC):c.6043_6057del (p.Glu2015_Val2019del)

Gene: APC (APC regulator of Wnt signaling pathway; plus strand). Cytogenetic location: 5q22.2.
Variant type: Deletion.
Coding change: c.6043_6057del on transcript NM_000038.6 (MANE Select); coding-DNA positions 6043 to 6057, 15 bases deleted (GAAGATACCCCAGTT).
Protein change: p.Glu2015_Val2019del.
Molecular consequence: inframe deletion. On other transcripts: non-coding transcript variant (2).
Genome position (GRCh38, 1-based): chr5:112,841,637-112,841,651, GAAGATACCCCAGTT deleted; deleting any 15 consecutive bases within chr5:112,841,634-112,841,651 gives the same sequence; the c. name uses the placement nearest the transcript's 3' end. VCF-style (leftmost placement, unchanged base first): chr5-112841633-TGTTGAAGATACCCCA-T. GRCh37 (hg19) VCF-style: chr5-112177330-TGTTGAAGATACCCCA-T.
Other names: c.6043_6057del, p.Glu2015_Val2019del (NM_001127510.3, NM_001354895.2, NM_001407450.1); c.5989_6003del, p.Glu1997_Val2001del (NM_001127511.3); c.6097_6111del, p.Glu2033_Val2037del (NM_001354896.2, NM_001407447.1, NM_001407448.1 and 1 more transcripts); c.6073_6087del, p.Glu2025_Val2029del (NM_001354897.2); c.5968_5982del, p.Glu1990_Val1994del (NM_001354898.2); c.5959_5973del, p.Glu1987_Val1991del (NM_001354899.2); c.5920_5934del, p.Glu1974_Val1978del (NM_001354900.2); c.5866_5880del, p.Glu1956_Val1960del (NM_001354901.2, NM_001407453.1); and 11 more.
Identifiers: ClinVar variation 3230833 (VCV003230833.1), dbSNP rs2533686702, ClinGen allele CA2825001383.